The following is an entry in ClinVar:

ClinVar aggregate classification (germline): Uncertain significance. Review status: criteria provided, multiple submitters, no conflicts (2 of 4 stars). 2 submissions from 2 submitters: Uncertain significance (2). Last evaluated 2025-09-01.

Conditions:
Dyskeratosis congenita, autosomal dominant 6 (DKCA6). Identifiers: Orphanet 3322, MedGen C4225284, MONDO:0014690, OMIM 616553.
Inborn genetic diseases. Identifiers: MedGen C0950123, MeSH D030342.

Allele frequency attached by ClinVar (database versions not stated): gnomAD exomes below 0.00001 and 0.00002; ExAC 0.00001; gnomAD 0.00001; TOPMed 0.00002; ESP Exome Variant Server 0.00023.
gnomAD v4.1: 7 of 1,613,814 alleles (0.00043%); highest among the groups gnomAD compares: African/African-American, 0.0053%; no homozygotes.

Submissions (2):

Labcorp Genetics (formerly Invitae), Labcorp
Classification: Uncertain significance for Dyskeratosis congenita, autosomal dominant 6. Last evaluated: 2025-09-01. Review status: criteria provided, single submitter. Criteria: Invitae Variant Classification Sherloc (09022015). Collection method: clinical testing. Allele origin: germline.
Comment: This sequence change replaces threonine, which is neutral and polar, with isoleucine, which is neutral and non-polar, at codon 280 of the ACD protein (p.Thr280Ile). This variant is present in population databases (rs144087853, gnomAD 0.008%). This variant has not been reported in the literature in individuals affected with ACD-related conditions. ClinVar contains an entry for this variant (Variation ID: 1017769). Invitae Evidence Modeling of protein sequence and biophysical properties (such as structural, functional, and spatial information, amino acid conservation, physicochemical variation, residue mobility, and thermodynamic stability) indicates that this missense variant is not expected to disrupt ACD protein function with a negative predictive value of 80%. In summary, the available evidence is currently insufficient to determine the role of this variant in disease. Therefore, it has been classified as a Variant of Uncertain Significance.

Ambry Genetics
Classification: Uncertain significance for Inborn genetic diseases. Last evaluated: 2021-12-13. Review status: criteria provided, single submitter. Criteria: Ambry Variant Classification Scheme 2023. Collection method: clinical testing. Allele origin: germline.
Comment: The p.T280I variant (also known as c.839C>T), located in coding exon 7 of the ACD gene, results from a C to T substitution at nucleotide position 839. The threonine at codon 280 is replaced by isoleucine, an amino acid with similar properties. This amino acid position is conserved. In addition, this alteration is predicted to be tolerated by in silico analysis. Since supporting evidence is limited at this time, the clinical significance of this alteration remains unclear.

NM_001082486.2(ACD):c.581C>T (p.Thr194Ile)

Gene: ACD (ACD shelterin complex subunit and telomerase recruitment factor; minus strand). Cytogenetic location: 16q22.1.
Variant type: single nucleotide variant.
Coding change: c.581C>T on transcript NM_001082486.2 (MANE Select); coding-DNA position 581, C replaced by T.
Protein change: p.Thr194Ile; replaces threonine 194 with isoleucine.
Molecular consequence: missense variant.
Genome position (GRCh38, 1-based): chr16:67,658,992, G>A on the plus strand (C>T on the coding strand, the complement: ACD is on the minus strand). VCF-style: chr16-67658992-G-A. GRCh37 (hg19) VCF-style: chr16-67692895-G-A.
Other names: c.572C>T, p.Thr191Ile (NM_022914.3); short protein forms T191I, T194I.
Identifiers: ClinVar variation 1017769 (VCV001017769.10), dbSNP rs144087853, ClinGen allele CA8114619.